The following is an entry in ClinVar:

NM_001130009.3(GEN1):c.697A>C (p.Ser233Arg)

Gene: GEN1 (GEN1 structure-specific endonuclease; plus strand). Cytogenetic location: 2p24.2.
Variant type: single nucleotide variant.
Coding change: c.697A>C on transcript NM_001130009.3 (MANE Select); coding-DNA position 697, A replaced by C.
Protein change: p.Ser233Arg; replaces serine 233 with arginine.
Molecular consequence: missense variant.
Genome position (GRCh38, 1-based): chr2:17,768,798, A>C. VCF-style: chr2-17768798-A-C. GRCh37 (hg19) VCF-style: chr2-17950065-A-C.
Other names: c.697A>C, p.Ser233Arg (NM_182625.5); short protein forms S233R.
Identifiers: ClinVar variation 4671531 (VCV004671531.1).
Genomic context (GRCh38, chr2:17,768,798, plus strand): 5'-GGAGTCCCTGGAGTTGGAAAAGAGCAAGCATTAAAACTTATACAGATTTTGAAAGGGCAA[A>C]GTTTACTTCAGAGGTAACTAATAATTACTTTCTCTTGTGACATTGAACCTTTATTCTTGC-3'
Protein context (NP_001123481.3, residues 223-243): LKLIQILKGQ[Ser233Arg]LLQRFNRWNE

ClinVar aggregate classification (germline): Uncertain significance (1 of 4 stars; one submission).

Submission:

Ambry Genetics
Classification: Uncertain significance. Last evaluated: 2025-12-13. Review status: criteria provided, single submitter. Criteria: Ambry Variant Classification Scheme 2023. Collection method: clinical testing. Allele origin: germline.
Comment: The p.S233R variant (also known as c.697A>C), located in coding exon 5 of the GEN1 gene, results from an A to C substitution at nucleotide position 697. The serine at codon 233 is replaced by arginine, an amino acid with dissimilar properties. This amino acid position is conserved. In addition, this alteration is predicted to be tolerated by in silico analysis. Based on the available evidence, the clinical significance of this variant remains unclear.